The following is an entry in ClinVar:

NM_000540.3(RYR1):c.11231C>G (p.Ala3744Gly)

Gene: RYR1 (ryanodine receptor 1; plus strand). Cytogenetic location: 19q13.2.
Variant type: single nucleotide variant.
Coding change: c.11231C>G on transcript NM_000540.3 (MANE Select); coding-DNA position 11231, C replaced by G.
Protein change: p.Ala3744Gly; replaces alanine 3744 with glycine.
Molecular consequence: missense variant.
Genome position (GRCh38, 1-based): chr19:38,532,708, C>G. VCF-style: chr19-38532708-C-G. GRCh37 (hg19) VCF-style: chr19-39023348-C-G.
Other names: c.11216C>G, p.Ala3739Gly (NM_001042723.2); short protein forms A3744G, A3739G.
Identifiers: ClinVar variation 1415610 (VCV001415610.8), dbSNP rs1600950619, ClinGen allele CA405653177.

ClinVar aggregate classification (germline): Uncertain significance (1 of 4 stars; one submission).

Conditions:
RYR1-related disorder. Also called: RYR1-related condition; RYR1-related disorders. Identifiers: MedGen CN239331.

Submission:

Labcorp Genetics (formerly Invitae), Labcorp
Classification: Uncertain significance for RYR1-related disorder. Last evaluated: 2022-10-13. Review status: criteria provided, single submitter. Criteria: Invitae Variant Classification Sherloc (09022015). Collection method: clinical testing. Allele origin: germline.
Comment: In summary, the available evidence is currently insufficient to determine the role of this variant in disease. Therefore, it has been classified as a Variant of Uncertain Significance. Advanced modeling of protein sequence and biophysical properties (such as structural, functional, and spatial information, amino acid conservation, physicochemical variation, residue mobility, and thermodynamic stability) performed at Invitae indicates that this missense variant is not expected to disrupt RYR1 protein function. ClinVar contains an entry for this variant (Variation ID: 1415610). This variant has not been reported in the literature in individuals affected with RYR1-related conditions. This variant is not present in population databases (gnomAD no frequency). This sequence change replaces alanine, which is neutral and non-polar, with glycine, which is neutral and non-polar, at codon 3744 of the RYR1 protein (p.Ala3744Gly).